The following is an entry in ClinVar:

NM_005157.6(ABL1):c.1700C>T (p.Ala567Val)

Gene: ABL1 (ABL proto-oncogene 1, non-receptor tyrosine kinase; plus strand). Cytogenetic location: 9q34.12.
Variant type: single nucleotide variant.
Coding change: c.1700C>T on transcript NM_005157.6 (MANE Select); coding-DNA position 1700, C replaced by T.
Protein change: p.Ala567Val; replaces alanine 567 with valine.
Molecular consequence: missense variant.
Genome position (GRCh38, 1-based): chr9:130,883,990, C>T. VCF-style: chr9-130883990-C-T. GRCh37 (hg19) VCF-style: chr9-133759377-C-T.
Other names: c.1757C>T, p.Ala586Val (NM_007313.3); short protein forms A586V, A567V.
Identifiers: ClinVar variation 1976337 (VCV001976337.5), dbSNP rs982716836, ClinGen allele CA200651407.

ClinVar aggregate classification (germline): Uncertain significance (1 of 4 stars; one submission).

Allele frequency attached by ClinVar (database versions not stated): gnomAD exomes below 0.00001; TOPMed below 0.00001; gnomAD 0.00001.
gnomAD v4.1: 5 of 1,612,674 alleles (0.00031%); highest among the groups gnomAD compares: Non-Finnish European, 0.00042%; no homozygotes.

Submission:

Labcorp Genetics (formerly Invitae), Labcorp
Classification: Uncertain significance. Last evaluated: 2023-11-15. Review status: criteria provided, single submitter. Criteria: Invitae Variant Classification Sherloc (09022015). Collection method: clinical testing. Allele origin: germline.
Comment: This sequence change replaces alanine, which is neutral and non-polar, with valine, which is neutral and non-polar, at codon 586 of the ABL1 protein (p.Ala586Val). This variant is not present in population databases (gnomAD no frequency). This variant has not been reported in the literature in individuals affected with ABL1-related conditions. Advanced modeling of protein sequence and biophysical properties (such as structural, functional, and spatial information, amino acid conservation, physicochemical variation, residue mobility, and thermodynamic stability) performed at Invitae indicates that this missense variant is not expected to disrupt ABL1 protein function with a negative predictive value of 95%. In summary, the available evidence is currently insufficient to determine the role of this variant in disease. Therefore, it has been classified as a Variant of Uncertain Significance.